The following is an entry in ClinVar:

NM_177438.3(DICER1):c.5506C>G (p.Pro1836Ala)

Gene: DICER1 (dicer 1, ribonuclease III; minus strand). Cytogenetic location: 14q32.13.
Variant type: single nucleotide variant.
Coding change: c.5506C>G on transcript NM_177438.3 (MANE Select); coding-DNA position 5506, C replaced by G.
Protein change: p.Pro1836Ala; replaces proline 1836 with alanine.
Molecular consequence: missense variant. On other transcripts: non-coding transcript variant (6), intron variant (1).
Genome position (GRCh38, 1-based): chr14:95,091,224, G>C on the plus strand (C>G on the coding strand, the complement: DICER1 is on the minus strand). VCF-style: chr14-95091224-G-C. GRCh37 (hg19) VCF-style: chr14-95557561-G-C.
Other names: c.5506C>G, p.Pro1836Ala (NM_001271282.3, NM_001291628.2, NM_001395677.1 and 7 more transcripts); c.5224C>G, p.Pro1742Ala (NM_001395686.1); c.5101C>G, p.Pro1701Ala (NM_001395687.1, NM_001395688.1, NM_001395689.1 and 1 more transcripts); c.4939C>G, p.Pro1647Ala (NM_001395691.1); c.3823C>G, p.Pro1275Ala (NM_001395697.1); c.5365-115C>G (NM_001195573.1); short protein forms P1836A, P1701A, P1275A, P1647A, P1742A.
Identifiers: ClinVar variation 3671272 (VCV003671272.2).

ClinVar aggregate classification (germline): Uncertain significance (1 of 4 stars; one submission).

Conditions:
DICER1-related tumor predisposition. Also called: DICER1-related pleuropulmonary blastoma cancer predisposition syndrome; DICER1 syndrome. Identifiers: Orphanet 284343, MedGen C3839822, MONDO:0100216.

Submission:

Labcorp Genetics (formerly Invitae), Labcorp
Classification: Uncertain significance for DICER1-related tumor predisposition. Last evaluated: 2024-10-03. Review status: criteria provided, single submitter. Criteria: Invitae Variant Classification Sherloc (09022015). Collection method: clinical testing. Allele origin: germline.
Comment: This sequence change replaces proline, which is neutral and non-polar, with alanine, which is neutral and non-polar, at codon 1836 of the DICER1 protein (p.Pro1836Ala). This variant is not present in population databases (gnomAD no frequency). This variant has not been reported in the literature in individuals affected with DICER1-related conditions. Invitae Evidence Modeling of protein sequence and biophysical properties (such as structural, functional, and spatial information, amino acid conservation, physicochemical variation, residue mobility, and thermodynamic stability) indicates that this missense variant is not expected to disrupt DICER1 protein function with a negative predictive value of 95%. In summary, the available evidence is currently insufficient to determine the role of this variant in disease. Therefore, it has been classified as a Variant of Uncertain Significance.